The following is an entry in ClinVar:

NM_000465.4(BARD1):c.2079G>C (p.Lys693Asn)

Gene: BARD1 (BRCA1 associated RING domain 1; minus strand). Cytogenetic location: 2q35.
Variant type: single nucleotide variant.
Coding change: c.2079G>C on transcript NM_000465.4 (MANE Select); coding-DNA position 2079, G replaced by C.
Protein change: p.Lys693Asn; replaces lysine 693 with asparagine.
Molecular consequence: missense variant. On other transcripts: non-coding transcript variant (3).
Genome position (GRCh38, 1-based): chr2:214,728,931, C>G on the plus strand (G>C on the coding strand, the complement: BARD1 is on the minus strand). VCF-style: chr2-214728931-C-G. GRCh37 (hg19) VCF-style: chr2-215593655-C-G.
Other names: c.2022G>C, p.Lys674Asn (NM_001282543.2); c.726G>C, p.Lys242Asn (NM_001282545.2); c.669G>C, p.Lys223Asn (NM_001282548.2); c.540G>C, p.Lys180Asn (NM_001282549.2); short protein forms K180N, K223N, K242N, K674N, K693N.
Identifiers: ClinVar variation 4532952 (VCV004532952.1).

ClinVar aggregate classification (germline): Uncertain significance (1 of 4 stars; one submission).

Submission:

Quest Diagnostics Nichols Institute San Juan Capistrano
Classification: Uncertain significance. Last evaluated: 2025-08-22. Review status: criteria provided, single submitter. Criteria: Quest Diagnostics criteria. Collection method: clinical testing. Allele origin: unknown.
Comment: This test has identified one copy of the c.2079G>C (p.Lys693Asn) variant in the BARD1 gene. To the best of our knowledge, this variant has not been reported in the published literature. This variant also has not been reported in large, multi-ethnic general populations (Genome Aggregation Database). Analysis of this variant using bioinformatics tools (i.e., MutationTaster and PolyPhen-2) for the prediction of the effect of amino acid changes on protein structure and function yielded predictions that this variant is benign. Based on the available information, we are unable to determine the clinical significance of this variant.